The following is an entry in ClinVar:

NM_003482.4(KMT2D):c.16329C>T (p.Tyr5443=)

Gene: KMT2D (lysine methyltransferase 2D; minus strand). Cytogenetic location: 12q13.12.
Variant type: single nucleotide variant.
Coding change: c.16329C>T on transcript NM_003482.4 (MANE Select); coding-DNA position 16329, C replaced by T.
Protein change: p.Tyr5443=; no amino-acid change (tyrosine 5443 retained).
Molecular consequence: synonymous variant.
Genome position (GRCh38, 1-based): chr12:49,022,599, G>A on the plus strand (C>T on the coding strand, the complement: KMT2D is on the minus strand). VCF-style: chr12-49022599-G-A. GRCh37 (hg19) VCF-style: chr12-49416382-G-A.
Identifiers: ClinVar variation 2150854 (VCV002150854.5), dbSNP rs370674392, ClinGen allele CA6545400.

ClinVar aggregate classification (germline): Benign/Likely benign. Review status: criteria provided, multiple submitters, no conflicts (2 of 4 stars). 2 submissions from 2 submitters: Benign (1); Likely benign (1). Last evaluated 2025-09-02.

Conditions:
Kabuki syndrome. Also called: NIIKAWA-KUROKI SYNDROME; Kabuki make-up syndrome. Identifiers: Orphanet 2322, MedGen C0796004, MONDO:0016512.
KMT2D-related disorder. Also called: KMT2D-Related Disorders.

Allele frequency attached by ClinVar (database versions not stated): gnomAD exomes 0.00002; ExAC 0.00006; gnomAD 0.00010; TOPMed 0.00011; ESP Exome Variant Server 0.00016.
gnomAD v4.1: 39 of 1,613,346 alleles (0.0024%); highest among the groups gnomAD compares: African/African-American, 0.037%; no homozygotes.

Submissions (2):

Labcorp Genetics (formerly Invitae), Labcorp
Classification: Benign for Kabuki syndrome. Last evaluated: 2025-09-02. Review status: criteria provided, single submitter. Criteria: Invitae Variant Classification Sherloc (09022015). Collection method: clinical testing. Allele origin: germline.

PreventionGenetics, part of Exact Sciences
Classification: Likely benign for KMT2D-related condition. Last evaluated: 2024-10-28. Review status: criteria provided, single submitter. Criteria: ACMG Guidelines, 2015. Collection method: clinical testing. Allele origin: germline.
Comment: This variant is classified as likely benign based on ACMG/AMP sequence variant interpretation guidelines (Richards et al. 2015 PMID: 25741868, with internal and published modifications).